The following is an entry in ClinVar:

ClinVar aggregate classification (germline): Uncertain significance (1 of 4 stars; one submission).

Submission:

Labcorp Genetics (formerly Invitae), Labcorp
Classification: Uncertain significance. Last evaluated: 2024-12-05. Review status: criteria provided, single submitter. Criteria: Invitae Variant Classification Sherloc (09022015). Collection method: clinical testing. Allele origin: germline.
Comment: This sequence change replaces valine, which is neutral and non-polar, with methionine, which is neutral and non-polar, at codon 213 of the GNB3 protein (p.Val213Met). This variant is not present in population databases (gnomAD no frequency). This variant has not been reported in the literature in individuals affected with GNB3-related conditions. Invitae Evidence Modeling of protein sequence and biophysical properties (such as structural, functional, and spatial information, amino acid conservation, physicochemical variation, residue mobility, and thermodynamic stability) indicates that this missense variant is not expected to disrupt GNB3 protein function with a negative predictive value of 80%. In summary, the available evidence is currently insufficient to determine the role of this variant in disease. Therefore, it has been classified as a Variant of Uncertain Significance.

NM_002075.4(GNB3):c.637G>A (p.Val213Met)

Gene: GNB3 (G protein subunit beta 3; plus strand). Cytogenetic location: 12p13.31.
Variant type: single nucleotide variant.
Coding change: c.637G>A on transcript NM_002075.4 (MANE Select); coding-DNA position 637, G replaced by A.
Protein change: p.Val213Met; replaces valine 213 with methionine.
Molecular consequence: missense variant.
Genome position (GRCh38, 1-based): chr12:6,843,916, G>A. VCF-style: chr12-6843916-G-A. GRCh37 (hg19) VCF-style: chr12-6953080-G-A.
Other names: c.634G>A, p.Val212Met (NM_001297571.2); short protein forms V212M, V213M.
Identifiers: ClinVar variation 3680911 (VCV003680911.2).